The following is an entry in ClinVar:

ClinVar aggregate classification (germline): Uncertain significance. Review status: criteria provided, multiple submitters, no conflicts (2 of 4 stars). 2 submissions from 2 submitters: Uncertain significance (2). Last evaluated 2026-01-19.

Submissions (2):

Labcorp Genetics (formerly Invitae), Labcorp
Classification: Uncertain significance. Last evaluated: 2026-01-19. Review status: criteria provided, single submitter. Criteria: Invitae Variant Classification Sherloc (09022015). Collection method: clinical testing. Allele origin: germline.
Comment: This sequence change falls in intron 1 of the NTHL1 gene. It does not directly change the encoded amino acid sequence of the NTHL1 protein. This variant is not present in population databases (gnomAD no frequency). This variant has not been reported in the literature in individuals affected with NTHL1-related conditions. ClinVar contains an entry for this variant (Variation ID: 3373311). Algorithms developed to predict the effect of sequence changes on RNA splicing suggest that this variant may disrupt the consensus splice site. In summary, the available evidence is currently insufficient to determine the role of this variant in disease. Therefore, it has been classified as a Variant of Uncertain Significance.

GeneDx
Classification: Uncertain significance. Last evaluated: 2024-04-30. Review status: criteria provided, single submitter. Criteria: GeneDx Variant Classification Process June 2021. Collection method: clinical testing. Allele origin: germline. Affected: yes.
Comment: Not observed at significant frequency in large population cohorts (gnomAD); Has not been previously published as pathogenic or benign to our knowledge; In silico analysis is inconclusive as to whether the variant alters gene splicing. In the absence of RNA/functional studies, the actual effect of this sequence change is unknown.

NM_002528.7(NTHL1):c.116-9T>G

Gene: NTHL1 (nth like DNA glycosylase 1; minus strand). Cytogenetic location: 16p13.3.
Variant type: single nucleotide variant.
Coding change: c.116-9T>G on transcript NM_002528.7 (MANE Select); 9 bases into the intron before coding-DNA position 116, T replaced by G.
Molecular consequence: intron variant.
Genome position (GRCh38, 1-based): chr16:2,046,375, A>C on the plus strand (T>G on the coding strand, the complement: NTHL1 is on the minus strand). VCF-style: chr16-2046375-A-C. GRCh37 (hg19) VCF-style: chr16-2096376-A-C.
Other names: c.-63-9T>G (NM_001318194.2); c.116-9T>G (NM_001318193.2).
Identifiers: ClinVar variation 3373311 (VCV003373311.2).